The following is an entry in ClinVar:

ClinVar aggregate classification (germline): Uncertain significance (1 of 4 stars; one submission).

Conditions:
Sulfite oxidase deficiency. Also called: Isolated sulfite oxidase deficiency. Identifiers: Orphanet 833, Orphanet 99731, MedGen C0268624, MONDO:0010089, OMIM 272300, HP:0003643.

Allele frequency attached by ClinVar (database versions not stated): gnomAD exomes below 0.00001.
gnomAD v4.1: 7 of 1,614,118 alleles (0.00043%); highest among the groups gnomAD compares: Non-Finnish European, 0.00051%; no homozygotes.

Submission:

Labcorp Genetics (formerly Invitae), Labcorp
Classification: Uncertain significance for Sulfite oxidase deficiency. Last evaluated: 2022-04-06. Review status: criteria provided, single submitter. Criteria: Invitae Variant Classification Sherloc (09022015). Collection method: clinical testing. Allele origin: germline.
Comment: In summary, the available evidence is currently insufficient to determine the role of this variant in disease. Therefore, it has been classified as a Variant of Uncertain Significance. Algorithms developed to predict the effect of sequence changes on RNA splicing suggest that this variant may create or strengthen a splice site. Algorithms developed to predict the effect of missense changes on protein structure and function (SIFT, PolyPhen-2, Align-GVGD) all suggest that this variant is likely to be tolerated. This variant has not been reported in the literature in individuals affected with SUOX-related conditions. This variant is not present in population databases (gnomAD no frequency). This sequence change replaces alanine, which is neutral and non-polar, with glycine, which is neutral and non-polar, at codon 177 of the SUOX protein (p.Ala177Gly).

NM_001032386.2(SUOX):c.530C>G (p.Ala177Gly)

Gene: SUOX (sulfite oxidase; plus strand). Cytogenetic location: 12q13.2.
Variant type: single nucleotide variant.
Coding change: c.530C>G on transcript NM_001032386.2 (MANE Select); coding-DNA position 530, C replaced by G.
Protein change: p.Ala177Gly; replaces alanine 177 with glycine.
Molecular consequence: missense variant.
Genome position (GRCh38, 1-based): chr12:56,003,919, C>G. VCF-style: chr12-56003919-C-G. GRCh37 (hg19) VCF-style: chr12-56397703-C-G.
Other names: c.530C>G, p.Ala177Gly (NM_000456.3, NM_001032387.2); short protein forms A177G.
Identifiers: ClinVar variation 1977360 (VCV001977360.5), dbSNP rs2540576118, ClinGen allele CA385284398.